The following is an entry in ClinVar:

NM_024753.5(TTC21B):c.766T>G (p.Tyr256Asp)

Gene: TTC21B (tetratricopeptide repeat domain 21B; minus strand). Cytogenetic location: 2q24.3.
Variant type: single nucleotide variant.
Coding change: c.766T>G on transcript NM_024753.5 (MANE Select); coding-DNA position 766, T replaced by G.
Protein change: p.Tyr256Asp; replaces tyrosine 256 with aspartic acid.
Molecular consequence: missense variant.
Genome position (GRCh38, 1-based): chr2:165,933,002, A>C on the plus strand (T>G on the coding strand, the complement: TTC21B is on the minus strand). VCF-style: chr2-165933002-A-C. GRCh37 (hg19) VCF-style: chr2-166789512-A-C.
Other names: short protein forms Y256D.
Identifiers: ClinVar variation 1716864 (VCV001716864.5), dbSNP rs2468219311, ClinGen allele CA349049102.

ClinVar aggregate classification (germline): Uncertain significance (1 of 4 stars; one submission).

Conditions:
Jeune thoracic dystrophy. Also called: Jeune syndrome; Infantile thoracic dystrophy; Thoracic pelvic phalangeal dystrophy; Jeune's syndrome; Chondroectodermal dysplasia-like syndrome; Short-rib thoracic dysplasia. Identifiers: Orphanet 474, MedGen C0265275, MONDO:0018770.
Nephronophthisis. Also called: Juvenile Nephronophthisis. Identifiers: Orphanet 655, MedGen C0687120, MONDO:0019005, HP:0000090.

Submission:

Labcorp Genetics (formerly Invitae), Labcorp
Classification: Uncertain significance for Jeune thoracic dystrophy; Nephronophthisis. Last evaluated: 2022-08-19. Review status: criteria provided, single submitter. Criteria: Invitae Variant Classification Sherloc (09022015). Collection method: clinical testing. Allele origin: germline.
Comment: This sequence change replaces tyrosine, which is neutral and polar, with aspartic acid, which is acidic and polar, at codon 256 of the TTC21B protein (p.Tyr256Asp). This variant is not present in population databases (gnomAD no frequency). This variant has not been reported in the literature in individuals affected with TTC21B-related conditions. Algorithms developed to predict the effect of missense changes on protein structure and function (SIFT, PolyPhen-2, Align-GVGD) all suggest that this variant is likely to be tolerated. In summary, the available evidence is currently insufficient to determine the role of this variant in disease. Therefore, it has been classified as a Variant of Uncertain Significance.